The following is an entry in ClinVar:

ClinVar aggregate classification (germline): Pathogenic (1 of 4 stars; one submission).

Conditions:
Primary ciliary dyskinesia. Also called: Ciliary dyskinesia. Identifiers: Orphanet 244, MedGen C0008780, MONDO:0016575, HP:0012265.

Allele frequency attached by ClinVar (database versions not stated): gnomAD exomes below 0.00001.
gnomAD v4.1: 1 of 1,614,118 alleles (0.000062%); highest among the groups gnomAD compares: Non-Finnish European, 0.000085%; no homozygotes.

Submission:

Ambry Genetics
Classification: Pathogenic for Primary ciliary dyskinesia. Last evaluated: 2017-10-30. Review status: criteria provided, single submitter. Criteria: Ambry Variant Classification Scheme 2023. Collection method: clinical testing. Allele origin: germline.
Comment: The p.K3227* pathogenic mutation (also known as c.9679A>T), located in coding exon 57 of the DNAH5 gene, results from an A to T substitution at nucleotide position 9679. This changes the amino acid from a lysine to a stop codon within coding exon 57. This alteration is expected to result in loss of function by premature protein truncation or nonsense-mediated mRNA decay. As such, this alteration is interpreted as a disease-causing mutation.

NM_001369.3(DNAH5):c.9679A>T (p.Lys3227Ter)

Gene: DNAH5 (dynein axonemal heavy chain 5; minus strand). Cytogenetic location: 5p15.2.
Variant type: single nucleotide variant.
Coding change: c.9679A>T on transcript NM_001369.3 (MANE Select); coding-DNA position 9679, A replaced by T.
Protein change: p.Lys3227Ter; replaces lysine 3227 with a stop codon.
Molecular consequence: nonsense.
Genome position (GRCh38, 1-based): chr5:13,769,542, T>A on the plus strand (A>T on the coding strand, the complement: DNAH5 is on the minus strand). VCF-style: chr5-13769542-T-A. GRCh37 (hg19) VCF-style: chr5-13769651-T-A.
Other names: short protein forms K3227*.
Identifiers: ClinVar variation 1767750 (VCV001767750.2), dbSNP rs2546658786, ClinGen allele CA359202985.
Genomic context (GRCh38, chr5:13,769,542, plus strand): 5'-TGTGTAAATGCCCACCCACCATGTCGGCTTTATCGTTGGCCACTTGTAGCTCCTTTTCTT[T>A]CGCTTCCAGTTCTTTACTCAAGGCTGCAACAGACTCTGAAGCTTCTTTGAGCTTTTCCAA-3'